The following is an entry in ClinVar:

NM_025137.4(SPG11):c.6936G>C (p.Met2312Ile)

Gene: SPG11 (SPG11 vesicle trafficking associated, spatacsin; minus strand). Cytogenetic location: 15q21.1.
Variant type: single nucleotide variant.
Coding change: c.6936G>C on transcript NM_025137.4 (MANE Select); coding-DNA position 6936, G replaced by C.
Protein change: p.Met2312Ile; replaces methionine 2312 with isoleucine.
Molecular consequence: missense variant.
Genome position (GRCh38, 1-based): chr15:44,565,917, C>G on the plus strand (G>C on the coding strand, the complement: SPG11 is on the minus strand). VCF-style: chr15-44565917-C-G. GRCh37 (hg19) VCF-style: chr15-44858115-C-G.
Other names: c.6597G>C, p.Met2199Ile (NM_001160227.2); c.6792G>C, p.Met2264Ile (NM_001411132.1); short protein forms M2199I, M2264I, M2312I.
Identifiers: ClinVar variation 3345251 (VCV003345251.5).

ClinVar aggregate classification (germline): Uncertain significance. Review status: criteria provided, multiple submitters, no conflicts (2 of 4 stars). 3 submissions from 3 submitters: Uncertain significance (3). Last evaluated 2025-12-11.

Conditions:
Hereditary spastic paraplegia 11. Also called: Spastic paraplegia, mental retardation and thin corpus callosum; SPASTIC PARAPLEGIA, AUTOSOMAL RECESSIVE, COMPLICATED, WITH THIN CORPUS CALLOSUM; SPASTIC PARAPLEGIA, AUTOSOMAL RECESSIVE, WITH MENTAL IMPAIRMENT AND THIN CORPUS CALLOSUM; Spastic Paraplegia 11; Nakamura Osame syndrome; Autosomal recessive hereditary spastic paraplegia, mental impairment, and thin corpus callosum. Identifiers: Orphanet 2822, MedGen C1858479, MONDO:0011445, OMIM 604360.
Inborn genetic diseases. Identifiers: MedGen C0950123, MeSH D030342.
SPG11-related disorder. Also called: SPG11-related condition.

Submissions (3):

PreventionGenetics, part of Exact Sciences
Classification: Uncertain significance for SPG11-related condition. Last evaluated: 2025-12-11. Review status: criteria provided, single submitter. Criteria: ACMG Guidelines, 2015. Collection method: clinical testing. Allele origin: germline.
Comment: The SPG11 c.6936G>C variant is predicted to result in the amino acid substitution p.Met2312Ile. To our knowledge, this variant has not been reported in the literature or in a large population database (gnomAD), indicating this variant is rare. At this time, the clinical significance of this variant is uncertain due to the absence of conclusive functional and genetic evidence.

Ambry Genetics
Classification: Uncertain significance for Inborn genetic diseases. Last evaluated: 2025-12-08. Review status: criteria provided, single submitter. Criteria: Ambry Variant Classification Scheme 2023. Collection method: clinical testing. Allele origin: germline.

Labcorp Genetics (formerly Invitae), Labcorp
Classification: Uncertain significance for Hereditary spastic paraplegia 11. Last evaluated: 2025-04-09. Review status: criteria provided, single submitter. Criteria: Invitae Variant Classification Sherloc (09022015). Collection method: clinical testing. Allele origin: germline.
Comment: This sequence change replaces methionine, which is neutral and non-polar, with isoleucine, which is neutral and non-polar, at codon 2312 of the SPG11 protein (p.Met2312Ile). This variant is not present in population databases (gnomAD no frequency). This variant has not been reported in the literature in individuals affected with SPG11-related conditions. ClinVar contains an entry for this variant (Variation ID: 3345251). Invitae Evidence Modeling of protein sequence and biophysical properties (such as structural, functional, and spatial information, amino acid conservation, physicochemical variation, residue mobility, and thermodynamic stability) indicates that this missense variant is not expected to disrupt SPG11 protein function with a negative predictive value of 80%. In summary, the available evidence is currently insufficient to determine the role of this variant in disease. Therefore, it has been classified as a Variant of Uncertain Significance.